The following is an entry in ClinVar:

ClinVar aggregate classification (germline): Uncertain significance (1 of 4 stars; one submission).

Conditions:
Inborn genetic diseases. Identifiers: MedGen C0950123, MeSH D030342.

Submission:

Ambry Genetics
Classification: Uncertain significance for Inborn genetic diseases. Last evaluated: 2025-01-13. Review status: criteria provided, single submitter. Criteria: Ambry Variant Classification Scheme 2023. Collection method: clinical testing. Allele origin: germline.
Comment: The p.C430Y variant (also known as c.1289G>A), located in coding exon 7 of the ERCC6L2 gene, results from a G to A substitution at nucleotide position 1289. The cysteine at codon 430 is replaced by tyrosine, an amino acid with highly dissimilar properties. This amino acid position is conserved. In addition, this alteration is predicted to be deleterious by in silico analysis. Based on the available evidence, the clinical significance of this variant remains unclear.

NM_020207.7(ERCC6L2):c.1289G>A (p.Cys430Tyr)

Gene: ERCC6L2 (ERCC excision repair 6 like 2; plus strand). Cytogenetic location: 9q22.32.
Variant type: single nucleotide variant.
Coding change: c.1289G>A on transcript NM_020207.7 (MANE Select); coding-DNA position 1289, G replaced by A.
Protein change: p.Cys430Tyr; replaces cysteine 430 with tyrosine.
Molecular consequence: missense variant. On other transcripts: non-coding transcript variant (1).
Genome position (GRCh38, 1-based): chr9:95,921,305, G>A. VCF-style: chr9-95921305-G-A. GRCh37 (hg19) VCF-style: chr9-98683587-G-A.
Other names: c.1289G>A, p.Cys430Tyr (NM_001010895.4, NM_001375291.1, NM_001375292.1 and 2 more transcripts); short protein forms C430Y.
Identifiers: ClinVar variation 3845868 (VCV003845868.1).
Genomic context (GRCh38, chr9:95,921,305, plus strand): 5'-CTTTGATACTTCAATCTTCTGAGCCTTGTACCTGTAGGAGTGGCCAAAAAAGGAGAAATT[G>A]TTGTTATAAGGCAAGCATTTCAATATATCTTTATAATCATGCTTTTGATTACATAGTACT-3'
Protein context (NP_064592.3, residues 420-440): TCRSGQKRRN[Cys430Tyr]CYKTNSHGET